The following is an entry in ClinVar:

ClinVar aggregate classification (germline): Uncertain significance (1 of 4 stars; one submission).

Conditions:
Hereditary cancer-predisposing syndrome. Also called: Neoplastic Syndromes, Hereditary; Tumor predisposition; Hereditary Cancer Syndrome; Hereditary neoplastic syndrome. Identifiers: Orphanet 140162, MedGen C0027672, MeSH D009386, MONDO:0015356.

Submission:

Ambry Genetics
Classification: Uncertain significance for Hereditary cancer-predisposing syndrome. Last evaluated: 2020-02-26. Review status: criteria provided, single submitter. Criteria: Ambry Variant Classification Scheme 2023. Collection method: clinical testing. Allele origin: germline.
Comment: The p.K222Q variant (also known as c.664A>C), located in coding exon 7 of the MRE11A gene, results from an A to C substitution at nucleotide position 664. The lysine at codon 222 is replaced by glutamine, an amino acid with similar properties. This amino acid position is highly conserved in available vertebrate species. In addition, the in silico prediction for this alteration is inconclusive. Since supporting evidence is limited at this time, the clinical significance of this alteration remains unclear.

NM_005591.4(MRE11):c.664A>C (p.Lys222Gln)

Gene: MRE11 (MRE11 double strand break repair nuclease; minus strand). Cytogenetic location: 11q21.
Variant type: single nucleotide variant.
Coding change: c.664A>C on transcript NM_005591.4 (MANE Select); coding-DNA position 664, A replaced by C.
Protein change: p.Lys222Gln; replaces lysine 222 with glutamine.
Molecular consequence: missense variant.
Genome position (GRCh38, 1-based): chr11:94,471,755, T>G on the plus strand (A>C on the coding strand, the complement: MRE11 is on the minus strand). VCF-style: chr11-94471755-T-G. GRCh37 (hg19) VCF-style: chr11-94204921-T-G.
Other names: c.664A>C, p.Lys222Gln (NM_001330347.2, NM_005590.4); short protein forms K222Q.
Identifiers: ClinVar variation 1800284 (VCV001800284.2), dbSNP rs371455048, ClinGen allele CA382375957.
Genomic context (GRCh38, chr11:94,471,755, plus strand): 5'-TAACAAGATCAATGAAGTCATCCAAAAATTGTTCTGGAATGAAGTTAGTACTTCCATGTT[T>G]ACTCCTGTATCAAGATTTTGAAAAATATAAATTCGGTGATTAGAAAAATTTCATATTATT-3'
Protein context (NP_005582.1, residues 212-232): NLFVIHQNRS[Lys222Gln]HGSTNFIPEQ